The following is an entry in ClinVar:

NM_000350.3(ABCA4):c.5055C>T (p.Cys1685=)

Gene: ABCA4 (ATP binding cassette subfamily A member 4; minus strand). Cytogenetic location: 1p22.1.
Variant type: single nucleotide variant.
Coding change: c.5055C>T on transcript NM_000350.3 (MANE Select); coding-DNA position 5055, C replaced by T.
Protein change: p.Cys1685=; no amino-acid change (cysteine 1685 retained).
Molecular consequence: synonymous variant.
Genome position (GRCh38, 1-based): chr1:94,019,723, G>A on the plus strand (C>T on the coding strand, the complement: ABCA4 is on the minus strand). VCF-style: chr1-94019723-G-A. GRCh37 (hg19) VCF-style: chr1-94485279-G-A.
Other names: c.4833C>T, p.Cys1611= (NM_001425324.1).
Identifiers: ClinVar variation 736313 (VCV000736313.10), dbSNP rs749943475, ClinGen allele CA957383.

ClinVar aggregate classification (germline): Likely benign. Review status: criteria provided, multiple submitters, no conflicts (2 of 4 stars). 3 submissions from 3 submitters: Likely benign (3). Last evaluated 2025-11-25.

Conditions:
ABCA4-related disorder. Also called: ABCA4-related condition; ABCA4-related disorders. Identifiers: MedGen CN239167.

Allele frequency attached by ClinVar (database versions not stated): gnomAD 0.00004; TOPMed 0.00005; ExAC 0.00008; gnomAD exomes 0.00010.
gnomAD v4.1: 45 of 1,613,310 alleles (0.0028%); highest among the groups gnomAD compares: Admixed American, 0.055%; no homozygotes.

Submissions (3):

Labcorp Genetics (formerly Invitae), Labcorp
Classification: Likely benign. Last evaluated: 2025-11-25. Review status: criteria provided, single submitter. Criteria: Invitae Variant Classification Sherloc (09022015). Collection method: clinical testing. Allele origin: germline.

PreventionGenetics, part of Exact Sciences
Classification: Likely benign for ABCA4-related condition. Last evaluated: 2025-04-18. Review status: criteria provided, single submitter. Criteria: ACMG Guidelines, 2015. Collection method: clinical testing. Allele origin: germline.
Comment: This variant is classified as likely benign based on ACMG/AMP sequence variant interpretation guidelines (Richards et al. 2015 PMID: 25741868, with internal and published modifications).

Blueprint Genetics
Classification: Likely benign. Last evaluated: 2021-07-05. Review status: criteria provided, single submitter. Criteria: ACMG Guidelines, 2015. Collection method: clinical testing. Allele origin: germline.